The following is an entry in ClinVar:

NM_000222.3(KIT):c.1540+6T>C

Gene: KIT (KIT proto-oncogene, receptor tyrosine kinase; plus strand). Cytogenetic location: 4q12.
Variant type: single nucleotide variant.
Coding change: c.1540+6T>C on transcript NM_000222.3 (MANE Select); 6 bases into the intron after coding-DNA position 1540, T replaced by C.
Molecular consequence: intron variant.
Genome position (GRCh38, 1-based): chr4:54,726,056, T>C. VCF-style: chr4-54726056-T-C. GRCh37 (hg19) VCF-style: chr4-55592222-T-C.
Other names: c.1543+6T>C (NM_001385284.1, NM_001385290.1); c.1531+18T>C (NM_001385288.1, NM_001385292.1); c.1540+6T>C (NM_001385285.1); c.1528+18T>C (NM_001093772.2, NM_001385286.1).
Identifiers: ClinVar variation 940818 (VCV000940818.10), dbSNP rs1722199031, ClinGen allele CA1139655846.

ClinVar aggregate classification (germline): Uncertain significance (1 of 4 stars; one submission).

Conditions:
Gastrointestinal stromal tumor. Also called: Gastrointestinal stromal tumor, somatic; Gastrointestinal stroma tumor. Identifiers: Orphanet 44890, MedGen C0238198, MeSH D046152, MONDO:0011719, OMIM 606764, HP:0100723.

Submission:

Labcorp Genetics (formerly Invitae), Labcorp
Classification: Uncertain significance for Gastrointestinal stromal tumor. Last evaluated: 2024-01-24. Review status: criteria provided, single submitter. Criteria: Invitae Variant Classification Sherloc (09022015). Collection method: clinical testing. Allele origin: germline.
Comment: This sequence change falls in intron 9 of the KIT gene. It does not directly change the encoded amino acid sequence of the KIT protein. It affects a nucleotide within the consensus splice site. This variant is not present in population databases (gnomAD no frequency). This variant has not been reported in the literature in individuals affected with KIT-related conditions. ClinVar contains an entry for this variant (Variation ID: 940818). Variants that disrupt the consensus splice site are a relatively common cause of aberrant splicing (PMID: 17576681, 9536098). Algorithms developed to predict the effect of sequence changes on RNA splicing suggest that this variant is not likely to affect RNA splicing. In summary, the available evidence is currently insufficient to determine the role of this variant in disease. Therefore, it has been classified as a Variant of Uncertain Significance.

Literature cited by the submitters: PubMed 17576681; PubMed 9536098.